The following is an entry in ClinVar:

ClinVar aggregate classification (germline): Conflicting classifications of pathogenicity. Review status: criteria provided, conflicting classifications (1 of 4 stars). 3 submissions from 3 submitters: Uncertain significance (1); Likely benign (2). Last evaluated 2025-10-25.

Conditions:
Baller-Gerold syndrome (BGS). Also called: CRANIOSYNOSTOSIS WITH RADIAL DEFECTS. Identifiers: Orphanet 1225, MedGen C0265308, MONDO:0009039, OMIM 218600.
Inborn genetic diseases. Identifiers: MedGen C0950123, MeSH D030342.
Hereditary cancer-predisposing syndrome. Also called: Tumor predisposition; Hereditary neoplastic syndrome; Hereditary Cancer Syndrome; Neoplastic Syndromes, Hereditary. Identifiers: Orphanet 140162, MedGen C0027672, MeSH D009386, MONDO:0015356.

Allele frequency attached by ClinVar (database versions not stated): gnomAD exomes below 0.00001; ExAC 0.00001; TOPMed 0.00002; gnomAD 0.00003.
gnomAD v4.1: 35 of 1,612,412 alleles (0.0022%); highest among the groups gnomAD compares: Non-Finnish European, 0.0021%; no homozygotes.

Submissions (3):

Labcorp Genetics (formerly Invitae), Labcorp
Classification: Likely benign for Baller-Gerold syndrome. Last evaluated: 2025-10-25. Review status: criteria provided, single submitter. Criteria: Invitae Variant Classification Sherloc (09022015). Collection method: clinical testing. Allele origin: germline.

Ambry Genetics
Classification: Likely benign for Inborn genetic diseases. Last evaluated: 2024-11-23. Review status: criteria provided, single submitter. Criteria: Ambry Variant Classification Scheme 2023. Collection method: clinical testing. Allele origin: germline.

Sema4
Classification: Uncertain significance for Hereditary cancer-predisposing syndrome. Last evaluated: 2022-01-05. Review status: criteria provided, single submitter. Criteria: Sema4 Curation Guidelines. Collection method: curation. Allele origin: germline.
Comment: To the best of our knowledge, the RECQL4 c.1071C>T (p.N357=) variant has not been reported in individuals with RECQL4-related disease. This variant was observed in 3/127434 chromosomes in the European (non-Finnish) population, according to the Genome Aggregation Database (PMID: 32461654). This variant has been reported in ClinVar (Variation ID: 699895). The nucleotide is conserved and in silico tools suggest that the variant does not impact splicing, though these predictions have not been confirmed by functional studies. The evidence is insufficient to meet ACMG/AMP criteria for classifying the variant as benign or pathogenic. Thus, the clinical significance of this variant is currently uncertain.

NM_004260.4(RECQL4):c.1071C>T (p.Asn357=)

Gene: RECQL4 (RecQ like helicase 4; minus strand). Cytogenetic location: 8q24.3.
Variant type: single nucleotide variant.
Coding change: c.1071C>T on transcript NM_004260.4 (MANE Select); coding-DNA position 1071, C replaced by T.
Protein change: p.Asn357=; no amino-acid change (asparagine 357 retained).
Molecular consequence: synonymous variant.
Genome position (GRCh38, 1-based): chr8:144,516,048, G>A on the plus strand (C>T on the coding strand, the complement: RECQL4 is on the minus strand). VCF-style: chr8-144516048-G-A. GRCh37 (hg19) VCF-style: chr8-145741432-G-A.
Identifiers: ClinVar variation 699895 (VCV000699895.23), dbSNP rs747857375, ClinGen allele CA4949083.